The following is an entry in ClinVar:

NM_001360.3(DHCR7):c.248C>A (p.Ser83Ter)

Gene: DHCR7 (7-dehydrocholesterol reductase; minus strand). Cytogenetic location: 11q13.4.
Variant type: single nucleotide variant.
Coding change: c.248C>A on transcript NM_001360.3 (MANE Select); coding-DNA position 248, C replaced by A.
Protein change: p.Ser83Ter; replaces serine 83 with a stop codon.
Molecular consequence: nonsense.
Genome position (GRCh38, 1-based): chr11:71,444,066, G>T on the plus strand (C>A on the coding strand, the complement: DHCR7 is on the minus strand). VCF-style: chr11-71444066-G-T. GRCh37 (hg19) VCF-style: chr11-71155112-G-T.
Other names: c.248C>A, p.Ser83Ter (NM_001425108.1, NM_001425109.1, NM_001425110.1 and 8 more transcripts); c.152C>A, p.Ser51Ter (NM_001425113.1, NM_001425114.1, NM_001425116.1); c.74C>A, p.Ser25Ter (NM_001425117.1); short protein forms S51*, S83*, S25*.
Identifiers: ClinVar variation 2707266 (VCV002707266.3), dbSNP rs764847274, ClinGen allele CA381696328.
Genomic context (GRCh38, chr11:71,444,066, plus strand): 5'-CACAAGGTATAGAGCTGGGCGGCTTTCCTCGTTATAGGTGGAGTCTTGGCCCAGATGTCC[G>T]AGAGCCGAGCATGTCCGGTGACGATGTCCACCACAGGGCCAGTCAGGGCGCAGCTGTACT-3'

ClinVar aggregate classification (germline): Pathogenic (1 of 4 stars; one submission).

Conditions:
Smith-Lemli-Opitz syndrome (SLOS). Also called: LETHAL ACRODYSGENITAL SYNDROME; POLYDACTYLY, SEX REVERSAL, RENAL HYPOPLASIA, AND UNILOBAR LUNG; RSH SYNDROME; RUTLEDGE LETHAL MULTIPLE CONGENITAL ANOMALY SYNDROME; 7-Dehydrocholesterol reductase deficiency. Identifiers: Orphanet 818, MedGen C0175694, MONDO:0010035, OMIM 270400.

Submission:

Labcorp Genetics (formerly Invitae), Labcorp
Classification: Pathogenic for Smith-Lemli-Opitz syndrome. Last evaluated: 2024-01-04. Review status: criteria provided, single submitter. Criteria: Invitae Variant Classification Sherloc (09022015). Collection method: clinical testing. Allele origin: germline.
Comment: This sequence change creates a premature translational stop signal (p.Ser83*) in the DHCR7 gene. It is expected to result in an absent or disrupted protein product. Loss-of-function variants in DHCR7 are known to be pathogenic (PMID: 9634533, 10677299). This variant is not present in population databases (gnomAD no frequency). This variant has not been reported in the literature in individuals affected with DHCR7-related conditions. For these reasons, this variant has been classified as Pathogenic.

Literature cited by the submitters: PubMed 9634533; PubMed 10677299.